The following is an entry in ClinVar:

ClinVar aggregate classification (germline): Pathogenic. Review status: criteria provided, multiple submitters, no conflicts (2 of 4 stars). 3 submissions from 3 submitters: Pathogenic (3). Last evaluated 2025-06-05.

Conditions:
Familial cancer of breast. Also called: hereditary breast carcinoma; BREAST CANCER, FAMILIAL; Hereditary breast cancer. Identifiers: Orphanet 227535, MedGen C0346153, MONDO:0016419, OMIM 114480. Disease mechanism: loss of function.
Hereditary cancer-predisposing syndrome. Also called: Hereditary neoplastic syndrome; Tumor predisposition; Hereditary Cancer Syndrome; Neoplastic Syndromes, Hereditary. Identifiers: Orphanet 140162, MedGen C0027672, MeSH D009386, MONDO:0015356.
Ataxia-telangiectasia syndrome (AT). Also called: Cerebello-oculocutaneous telangiectasia; Immunodeficiency with ataxia telangiectasia; Ataxia telangiectasia (A-T); Ataxia-telangiectasia, complementation group E; LOUIS-BAR SYNDROME; Ataxia-telangiectasia. Identifiers: Orphanet 100, MedGen C0004135, MONDO:0008840, OMIM 208900.

Submissions (3):

Labcorp Genetics (formerly Invitae), Labcorp
Classification: Pathogenic for Ataxia-telangiectasia syndrome. Last evaluated: 2025-06-05. Review status: criteria provided, single submitter. Criteria: Invitae Variant Classification Sherloc (09022015). Collection method: clinical testing. Allele origin: germline.
Comment: This sequence change creates a premature translational stop signal (p.Ile77Asnfs*23) in the ATM gene. It is expected to result in an absent or disrupted protein product. Loss-of-function variants in ATM are known to be pathogenic (PMID: 23807571, 25614872). This variant is not present in population databases (gnomAD no frequency). This variant has not been reported in the literature in individuals affected with ATM-related conditions. ClinVar contains an entry for this variant (Variation ID: 578140). For these reasons, this variant has been classified as Pathogenic.

Ambry Genetics
Classification: Pathogenic for Hereditary cancer-predisposing syndrome. Last evaluated: 2024-06-26. Review status: criteria provided, single submitter. Criteria: Ambry Variant Classification Scheme 2023. Collection method: clinical testing. Allele origin: germline.
Comment: The c.229dupA pathogenic mutation, located in coding exon 3 of the ATM gene, results from a duplication of A at nucleotide position 229, causing a translational frameshift with a predicted alternate stop codon (p.I77Nfs*23). This variant is considered to be rare based on population cohorts in the Genome Aggregation Database (gnomAD). This alteration is expected to result in loss of function by premature protein truncation or nonsense-mediated mRNA decay. As such, this alteration is interpreted as a disease-causing mutation.

Myriad Genetics, Inc.
Classification: Pathogenic for Familial cancer of breast. Last evaluated: 2024-01-08. Review status: criteria provided, single submitter. Criteria: Myriad Autosomal Dominant, Autosomal Recessive and X-Linked Classification Criteria (2023). Collection method: clinical testing. Allele origin: unknown.
Comment: This variant is considered pathogenic. This variant creates a frameshift predicted to result in premature protein truncation.

Literature cited by the submitters: PubMed 23807571 (cited by Labcorp Genetics (formerly Invitae), Labcorp); PubMed 25614872 (cited by Labcorp Genetics (formerly Invitae), Labcorp).

NM_000051.4(ATM):c.229dup (p.Ile77fs)

Gene: ATM (ATM serine/threonine kinase; plus strand). Cytogenetic location: 11q22.3.
Variant type: Duplication.
Coding change: c.229dup on transcript NM_000051.4 (MANE Select); coding-DNA position 229, one base duplicated (A; older notation c.229dupA).
Protein change: p.Ile77fs; shifts the reading frame from isoleucine 77.
Molecular consequence: frameshift variant.
Genome position (GRCh38, 1-based): chr11:108,229,221, A duplicated; the last of 2 consecutive A bases (chr11:108,229,220-108,229,221); duplicating either gives the same sequence. VCF-style (leftmost placement, unchanged base first): chr11-108229219-G-GA. GRCh37 (hg19) VCF-style: chr11-108099946-G-GA.
Other names: c.229dupA (NM_000051.3); c.229dup, p.Ile77fs (NM_001351834.2, NM_001351835.2, NM_001351836.2); short protein forms I77fs.
Identifiers: ClinVar variation 578140 (VCV000578140.7), dbSNP rs1565346867, ClinGen allele CA891843041.
Genomic context (GRCh38, chr11:108,229,219, plus strand): 5'-GCATTTTGTTTTCTTGAAGATTTTTACAGAAATATATTCAGAAAGAAACAGAATGTCTGA[G>GA]AATAGCAAAACCAAATGTATCAGCCTCAACACAAGCCTCCAGGCAGAAAAAGATGCAGGA-3'